The following is an entry in ClinVar:

ClinVar aggregate classification (germline): Uncertain significance (1 of 4 stars; one submission).

Conditions:
Familial thoracic aortic aneurysm and aortic dissection (TAAD). Also called: Thoracic aortic aneurysms and dissections. Identifiers: Orphanet 91387, MedGen C4707243, MONDO:0019625.
Marfan syndrome (MFS). Also called: FBN1-Related Marfan Syndrome; Marfan syndrome type 1; Marfan's syndrome; Marfan syndrome, classic; MARFAN SYNDROME, TYPE I. Identifiers: Orphanet 284963, Orphanet 558, MedGen C0024796, MONDO:0007947, OMIM 154700.

gnomAD v4.1: 1 of 1,614,062 alleles (0.000062%); no homozygotes.

Submission:

Labcorp Genetics (formerly Invitae), Labcorp
Classification: Uncertain significance for Marfan syndrome; Familial thoracic aortic aneurysm and aortic dissection. Last evaluated: 2019-03-15. Review status: criteria provided, single submitter. Criteria: Invitae Variant Classification Sherloc (09022015). Collection method: clinical testing. Allele origin: germline.
Comment: In summary, the available evidence is currently insufficient to determine the role of this variant in disease. Therefore, it has been classified as a Variant of Uncertain Significance. Algorithms developed to predict the effect of missense changes on protein structure and function are either unavailable or do not agree on the potential impact of this missense change (SIFT: "Deleterious"; PolyPhen-2: "Benign"; Align-GVGD: "Class C0"). This variant has not been reported in the literature in individuals with FBN1-related conditions. This variant is not present in population databases (ExAC no frequency). This sequence change replaces arginine with leucine at codon 332 of the FBN1 protein (p.Arg332Leu). The arginine residue is highly conserved and there is a moderate physicochemical difference between arginine and leucine.

NM_000138.5(FBN1):c.995G>T (p.Arg332Leu)

Genes: FBN1 (fibrillin 1; minus strand), LOC113939944 (Sharpr-MPRA regulatory region 9539; plus strand). Cytogenetic location: 15q21.1.
Variant type: single nucleotide variant.
Coding change: c.995G>T on transcript NM_000138.5 (MANE Select); coding-DNA position 995, G replaced by T.
Protein change: p.Arg332Leu; replaces arginine 332 with leucine.
Molecular consequence: missense variant.
Genome position (GRCh38, 1-based): chr15:48,520,811, C>A on the plus strand (G>T on the coding strand, the complement: FBN1 is on the minus strand). VCF-style: chr15-48520811-C-A. GRCh37 (hg19) VCF-style: chr15-48813008-C-A.
Other names: short protein forms R332L.
Identifiers: ClinVar variation 661976 (VCV000661976.10), dbSNP rs748929044, ClinGen allele CA392347922.